The following is an entry in ClinVar:

NM_001287.6(CLCN7):c.2086C>T (p.Arg696Trp)

Gene: CLCN7 (Cl-/H+ antiporter 7; minus strand). Cytogenetic location: 16p13.3.
Variant type: single nucleotide variant.
Coding change: c.2086C>T on transcript NM_001287.6 (MANE Select); coding-DNA position 2086, C replaced by T.
Protein change: p.Arg696Trp; replaces arginine 696 with tryptophan.
Molecular consequence: missense variant.
Genome position (GRCh38, 1-based): chr16:1,447,556, G>A on the plus strand (C>T on the coding strand, the complement: CLCN7 is on the minus strand). VCF-style: chr16-1447556-G-A. GRCh37 (hg19) VCF-style: chr16-1497557-G-A.
Other names: c.2014C>T, p.Arg672Trp (NM_001114331.3); short protein forms R672W, R696W.
Identifiers: ClinVar variation 1353517 (VCV001353517.6), dbSNP rs1222925593, ClinGen allele CA394185799.

ClinVar aggregate classification (germline): Uncertain significance (1 of 4 stars; one submission).

gnomAD v4.1: 6 of 1,556,134 alleles (0.00039%); highest among the groups gnomAD compares: South Asian, 0.0012%; no homozygotes.

Submission:

Labcorp Genetics (formerly Invitae), Labcorp
Classification: Uncertain significance. Last evaluated: 2022-07-06. Review status: criteria provided, single submitter. Criteria: Invitae Variant Classification Sherloc (09022015). Collection method: clinical testing. Allele origin: germline.
Comment: This sequence change replaces arginine, which is basic and polar, with tryptophan, which is neutral and slightly polar, at codon 696 of the CLCN7 protein (p.Arg696Trp). The frequency data for this variant in the population databases is considered unreliable, as metrics indicate poor data quality at this position in the gnomAD database. This variant has not been reported in the literature in individuals affected with CLCN7-related conditions. ClinVar contains an entry for this variant (Variation ID: 1353517). Advanced modeling of protein sequence and biophysical properties (such as structural, functional, and spatial information, amino acid conservation, physicochemical variation, residue mobility, and thermodynamic stability) performed at Invitae indicates that this missense variant is not expected to disrupt CLCN7 protein function. In summary, the available evidence is currently insufficient to determine the role of this variant in disease. Therefore, it has been classified as a Variant of Uncertain Significance.